The following is an entry in ClinVar:

ClinVar aggregate classification (germline): Likely benign. Review status: criteria provided, multiple submitters, no conflicts (2 of 4 stars). 2 submissions from 2 submitters: Likely benign (2). Last evaluated 2024-11-11.

Allele frequency attached by ClinVar (database versions not stated): gnomAD exomes 0.00001 and 0.00002; TOPMed 0.00001; ExAC 0.00002; gnomAD 0.00002; ESP Exome Variant Server 0.00008.
gnomAD v4.1: 11 of 1,613,962 alleles (0.00068%); highest among the groups gnomAD compares: Admixed American, 0.01%; no homozygotes.

Submissions (2):

Labcorp Genetics (formerly Invitae), Labcorp
Classification: Likely benign. Last evaluated: 2024-11-11. Review status: criteria provided, single submitter. Criteria: Invitae Variant Classification Sherloc (09022015). Collection method: clinical testing. Allele origin: germline.

CeGaT Center for Human Genetics Tuebingen
Classification: Likely benign. Last evaluated: 2024-11-01. Review status: criteria provided, single submitter. Criteria: CeGaT Center For Human Genetics Tuebingen Variant Classification Criteria Version 2. Collection method: clinical testing. Allele origin: germline. Affected: yes. Observed: 1 variant allele.
Comment: MTOR: BP5

NM_004958.4(MTOR):c.5350C>T (p.Arg1784Cys)

Gene: MTOR (mechanistic target of rapamycin kinase; minus strand). Cytogenetic location: 1p36.22.
Variant type: single nucleotide variant.
Coding change: c.5350C>T on transcript NM_004958.4 (MANE Select); coding-DNA position 5350, C replaced by T.
Protein change: p.Arg1784Cys; replaces arginine 1784 with cysteine.
Molecular consequence: missense variant.
Genome position (GRCh38, 1-based): chr1:11,133,094, G>A on the plus strand (C>T on the coding strand, the complement: MTOR is on the minus strand). VCF-style: chr1-11133094-G-A. GRCh37 (hg19) VCF-style: chr1-11193151-G-A.
Other names: c.5350C>T (LRG_734t1); short protein forms R1784C.
Identifiers: ClinVar variation 665147 (VCV000665147.23), dbSNP rs371091288, ClinGen allele CA589370.